The following is an entry in ClinVar:

ClinVar aggregate classification (germline): Pathogenic/Likely pathogenic. Review status: criteria provided, multiple submitters, no conflicts (2 of 4 stars). 31 submissions from 29 submitters: Pathogenic (25); Likely pathogenic (4). 2 of the submissions do not count toward it. Last evaluated 2026-06-12.

Conditions:
Adult onset hereditary spastic paraplegia.
Inborn genetic diseases. Identifiers: MedGen C0950123, MeSH D030342.
Neonatal pseudo-hydrocephalic progeroid syndrome. Also called: Wiedemann-Rautenstrauch syndrome. Identifiers: Orphanet 3455, MedGen C0406586, MONDO:0009910, OMIM 264090.
Leukodystrophy, hypomyelinating, 7, with or without oligodontia and/or hypogonadotropic hypogonadism (HLD7). Also called: LEUKODYSTROPHY, HYPOMYELINATING, 7, WITH OLIGODONTIA; LEUKODYSTROPHY, HYPOMYELINATING, 7, WITH OLIGODONTIA AND HYPOGONADOTROPIC HYPOGONADISM; LEUKODYSTROPHY, HYPOMYELINATING, 7, WITHOUT OLIGODONTIA OR HYPOGONADOTROPIC HYPOGONADISM; LEUKOENCEPHALOPATHY, HYPOMYELINATING, WITH ATAXIA AND DELAYED DENTITION; ATAXIA, DELAYED DENTITION, AND HYPOMYELINATION; Ataxia, Delayed Dentition and Hypomyelination (ADDH). Identifiers: Orphanet 137639, Orphanet 447893, Orphanet 447896, Orphanet 77295, Orphanet 88637, MedGen CN034185, MONDO:0011897, OMIM 607694.
POLR3A-related disorder. Also called: POLR3A-related condition; POLR3A-related disorders. Identifiers: MedGen CN378587, MONDO:0700276.
POLR-related leukodystrophy. Also called: 4H leukodystrophy. Identifiers: Orphanet 289494, MedGen C5679947, MONDO:0100605.
Intellectual disability. Also called: Intellectual functioning disability; Intellectual developmental disorder; intellectual disabilities. Identifiers: MedGen C3714756, MeSH D008607, MONDO:0001071, HP:0001249.

Allele frequency attached by ClinVar (database versions not stated): TOPMed 0.00012; 1000 Genomes Project 0.00040; 1000 Genomes Project 30x 0.00047.
gnomAD v4.1: 150 of 1,614,136 alleles (0.0093%); highest among the groups gnomAD compares: Admixed American, 0.012%; no homozygotes.

Submissions 1 to 13 of 31:

Ambry Genetics
Classification: Pathogenic for Inborn genetic diseases. Last evaluated: 2026-06-12. Review status: criteria provided, single submitter. Criteria: Ambry Variant Classification Scheme 2023. Collection method: clinical testing. Allele origin: germline.
Comment: The c.1771-7C>G intronic alteration consists of a C to G substitution 7 nucleotides before coding exon 14 in the POLR3A gene. Based on data from gnomAD, the G allele has an overall frequency of 0.012% (34/282814) total alleles studied. The highest observed frequency was 0.055% (4/7222) of Other alleles. This variant has been identified in the homozygous state and/or in conjunction with other POLR3A variant(s) in individual(s) with features consistent with POLR3A-related disorders (Minnerop, 2017; Perrier, 2020; Harting, 2020; Liu, 2024). RNA studies have demonstrated that this variant results in abnormal splicing in the set of samples tested (Azmanov, 2016; Minnerop, 2017; Perrier, 2020). In silico splice site analysis predicts that this alteration will not have any significant effect on splicing. Based on the available evidence, this alteration is classified as pathogenic.

Labcorp Genetics (formerly Invitae), Labcorp
Classification: Pathogenic. Last evaluated: 2025-12-10. Review status: criteria provided, single submitter. Criteria: Invitae Variant Classification Sherloc (09022015). Collection method: clinical testing. Allele origin: germline.
Comment: This sequence change falls in intron 13 of the POLR3A gene. It does not directly change the encoded amino acid sequence of the POLR3A protein. RNA analysis indicates that this variant induces altered splicing and may result in an absent or altered protein product. This variant is present in population databases (rs201314157, gnomAD 0.02%). This variant has been observed in individuals with POLR3A-related conditions (PMID: 28459997, 31940116, 32214227). It has also been observed to segregate with disease in related individuals. ClinVar contains an entry for this variant (Variation ID: 449556). Studies have shown that this variant results in skipping of exon 14, and produces a non-functional protein and/or introduces a premature termination codon (PMID: 28459997). For these reasons, this variant has been classified as Pathogenic.

NHS Central & South Genomic Laboratory Hub
Classification: Likely pathogenic for Adult onset hereditary spastic paraplegia. Last evaluated: 2025-10-21. Review status: criteria provided, single submitter. Criteria: ACMG Guidelines, 2015. Collection method: clinical testing. Allele origin: germline. Affected: yes.

Laboratory of Genetics, Children's Clinical University Hospital Latvia
Classification: Pathogenic. Last evaluated: 2025-07-15. Review status: criteria provided, single submitter. Criteria: ACMG Guidelines, 2015. Collection method: clinical testing. Allele origin: germline. Affected: yes.

Center of Human Genetics, Hôpital Erasme
Classification: Pathogenic for Neonatal pseudo-hydrocephalic progeroid syndrome. Last evaluated: 2025-01-01. Review status: criteria provided, single submitter. Criteria: ACMG Guidelines, 2015. Collection method: clinical testing. Allele origin: inherited. Affected: yes.

3billion
Classification: Pathogenic for Leukodystrophy, hypomyelinating, 7, with or without oligodontia and/or hypogonadotropic hypogonadism. Last evaluated: 2024-12-02. Review status: criteria provided, single submitter. Criteria: ACMG Guidelines, 2015. Collection method: clinical testing. Allele origin: germline. Affected: yes.
Comment: The variant is observed at an extremely low frequency in the gnomAD v4.1.0 dataset (total allele frequency: 0.009%). Predicted Consequence/Location: Intron variant: previously reported to alter splicing (PMID: 28459997). Functional studies provide moderate evidence of the variant having a damaging effect on the gene or gene product (PMID: 27506977). Intron variant: previously reported to alter splicing (PMID: 28459997). Therefore, this variant is classified as Pathogenic according to the recommendation of ACMG/AMP guideline.

Blueprint Genetics
Classification: Pathogenic for POLR3A-related disorders. Last evaluated: 2024-10-23. Review status: criteria provided, single submitter. Criteria: ACMG Guidelines, 2015. Collection method: clinical testing. Allele origin: germline. Affected: yes. Observed: 5 variant alleles.

Baylor Genetics
Classification: Pathogenic for Leukodystrophy, hypomyelinating, 7, with or without oligodontia and/or hypogonadotropic hypogonadism. Last evaluated: 2024-02-14. Review status: criteria provided, single submitter. Criteria: ACMG Guidelines, 2015. Collection method: clinical testing. Allele origin: unknown.

Broad Center for Mendelian Genomics, Broad Institute of MIT and Harvard
Classification: Pathogenic for Leukodystrophy, hypomyelinating, 7, with or without oligodontia and/or hypogonadotropic hypogonadism. Last evaluated: 2024-01-24. Review status: criteria provided, single submitter. Criteria: ACMG Guidelines, 2015. Collection method: curation. Allele origin: germline. Inheritance: Autosomal recessive inheritance.
Comment: The c.1771-7C>G variant in POLR3A has been reported in >10 individuals with POLR3A-related disorders (PMID: 28459997, 32214227, 31940116, 32582862, 33098801, 34440436, 32860008, 34234304, 33726816, 34284285, 33559318), segregated with disease in 3 affected relatives from 3 families (PMID: 28459997, 32582862), and has been identified in 0.01% (6/35434) of Latino/Admixed American chromosomes by the Genome Aggregation Database (gnomAD; dbSNP ID: rs201314157). Although this variant has been seen in the general population in a heterozygous state, its frequency is not high enough to rule out a pathogenic role. This variant has also been reported in ClinVar (Variation ID#: 449556) and has been interpreted as likely pathogenic or pathogenic by multiple laboratories. Of the many affected individuals, 5 of those were homozygotes, and at least 3 were compound heterozygotes that carried reported pathogenic and likely pathogenic variants in trans, which increases the likelihood that the c.1771-7C>G variant is pathogenic (VariationID: 684773, 430255, 684772; PMID: 28459997, 32214227, 31940116, 32582862, 33098801, 34440436, 32860008). In vitro functional studies provide some evidence that the c.1771-7C>G variant may impact protein function (PMID: 28459997, 32582862). However, these types of assays may not accurately represent biological function. This variant is located in the 5’ splice region. Computational tools do not suggest an impact to splicing. However, this information is not predictive enough to rule out pathogenicity. In summary, this variant meets criteria to be classified as pathogenic for autosomal recessive POLR3A-related disorders. ACMG/AMP Criteria applied: PS3_moderate, PM3_very-strong, PP1_moderate (Richards 2015).

CeGaT Center for Human Genetics Tuebingen
Classification: Pathogenic. Last evaluated: 2023-12-01. Review status: criteria provided, single submitter. Criteria: CeGaT Center For Human Genetics Tuebingen Variant Classification Criteria Version 2. Collection method: clinical testing. Allele origin: germline. Affected: yes. Observed: 5 variant alleles.
Comment: POLR3A: PM3:Very Strong, PM2, PP4:Moderate, BP4

Revvity Omics, Revvity
Classification: Pathogenic. Last evaluated: 2023-11-20. Review status: criteria provided, single submitter. Criteria: ACMG Guidelines, 2015. Collection method: clinical testing. Allele origin: germline.

Neuberg Centre For Genomic Medicine, NCGM
Classification: Pathogenic for Leukodystrophy, hypomyelinating, 7, with or without oligodontia and/or hypogonadotropic hypogonadism. Last evaluated: 2023-07-22. Review status: criteria provided, single submitter. Criteria: ACMG Guidelines, 2015. Collection method: clinical testing. Allele origin: germline. Inheritance: Autosomal recessive inheritance. Affected: yes.
Comment: The observed splice region c.1771-7C>G variant in gene has been previously reported in homozygous state in individuals affected with Leukodystrophy, hypomyelinating, 7, with or without oligodontia and/or hypogonadotropic hypogonadism Bertoli-Avella AM et al. 2021; Perrier S et al. 2020. It has also been observed to segregate with disease in related individuals. The c.1771-7C>G variant has allele frequency 0.01% in gnomAD Exomes. This variant has been reported to the ClinVar database as Uncertain significance / Likely pathogenic / Pathogenic multiple submiters. SpliceAI predicts this variant to cause splice acceptor gain score: 0.04. For these reasons, this variant has been classified as Pathogenic.

Neurometabolic Diseases Laboratory, Bellvitge Biomedical Research Institute (IDIBELL)
Classification: Pathogenic for POLR3A-related disorders. Last evaluated: 2023-04-27. Review status: criteria provided, single submitter. Criteria: ACMG Guidelines, 2015. Collection method: research. Allele origin: germline. Affected: yes.

NM_007055.4(POLR3A):c.1771-7C>G

Gene: POLR3A (RNA polymerase III subunit A; minus strand). Cytogenetic location: 10q22.3.
Variant type: single nucleotide variant.
Coding change: c.1771-7C>G on transcript NM_007055.4 (MANE Select); 7 bases into the intron before coding-DNA position 1771, C replaced by G.
Molecular consequence: intron variant.
Genome position (GRCh38, 1-based): chr10:78,009,682, G>C on the plus strand (C>G on the coding strand, the complement: POLR3A is on the minus strand). VCF-style: chr10-78009682-G-C. GRCh37 (hg19) VCF-style: chr10-79769440-G-C.
Identifiers: ClinVar variation 449556 (VCV000449556.110), dbSNP rs201314157, ClinGen allele CA5571323.